The following is an entry in ClinVar:

NM_000059.4(BRCA2):c.895G>T (p.Val299Phe)

Gene: BRCA2 (BRCA2 DNA repair associated; plus strand). Cytogenetic location: 13q13.1.
Variant type: single nucleotide variant.
Coding change: c.895G>T on transcript NM_000059.4 (MANE Select); coding-DNA position 895, G replaced by T.
Protein change: p.Val299Phe; replaces valine 299 with phenylalanine.
Molecular consequence: missense variant. On other transcripts: non-coding transcript variant (1), intron variant (1).
Genome position (GRCh38, 1-based): chr13:32,332,373, G>T. VCF-style: chr13-32332373-G-T. GRCh37 (hg19) VCF-style: chr13-32906510-G-T.
Other names: c.895G>T, p.Val299Phe (NM_001406719.1, NM_001406720.1, NM_001406721.1); c.424+1343G>T (NM_001406722.1); short protein forms V299F.
Identifiers: ClinVar variation 2451509 (VCV002451509.3), dbSNP rs2072399652, ClinGen allele CA387760668.

ClinVar aggregate classification (germline): Uncertain significance (1 of 4 stars; one submission).

Conditions:
Hereditary cancer-predisposing syndrome. Also called: Neoplastic Syndromes, Hereditary; Tumor predisposition; Hereditary neoplastic syndrome; Hereditary Cancer Syndrome. Identifiers: Orphanet 140162, MedGen C0027672, MeSH D009386, MONDO:0015356.

Submission:

Ambry Genetics
Classification: Uncertain significance for Hereditary cancer-predisposing syndrome. Last evaluated: 2025-08-20. Review status: criteria provided, single submitter. Criteria: Ambry Variant Classification Scheme 2023. Collection method: clinical testing. Allele origin: germline.
Comment: The p.V299F variant (also known as c.895G>T), located in coding exon 9 of the BRCA2 gene, results from a G to T substitution at nucleotide position 895. The valine at codon 299 is replaced by phenylalanine, an amino acid with highly similar properties. This amino acid position is conserved. In addition, this alteration is predicted to be tolerated by in silico analysis. Since supporting evidence is limited at this time, the clinical significance of this alteration remains unclear.